The following is an entry in ClinVar:

GRCh37/hg19 1p35.1-34.3(chr1:32859415-36454915)

Genes: YARS1 (tyrosyl-tRNA synthetase 1; minus strand), ZBTB8A (zinc finger and BTB domain containing 8A; plus strand), ZBTB8B (zinc finger and BTB domain containing 8B; plus strand), ZBTB8OS (zinc finger and BTB domain containing 8 opposite strand; minus strand), ZMYM1 (zinc finger MYM-type containing 1; plus strand) and 38 more. Cytogenetic location: 1p35.1-34.3.
Variant type: copy number loss.
Identifiers: ClinVar variation 625764 (VCV000625764.1).

ClinVar aggregate classification (germline): Pathogenic (1 of 4 stars; one submission).

Submission:

Baylor Genetics
Classification: Pathogenic. Last evaluated: 2018-11-01. Review status: criteria provided, single submitter. Criteria: ACMG CNV Guidelines, 2011. Collection method: clinical testing. Allele origin: germline. Observed: 1 variant allele.